The following is an entry in ClinVar:

ClinVar aggregate classification (germline): Uncertain significance (1 of 4 stars; one submission).

Conditions:
Amyotrophic lateral sclerosis type 6. Also called: FUS-Related Amyotrophic Laterial Sclerosis; AMYOTROPHIC LATERAL SCLEROSIS 6 WITHOUT FRONTOTEMPORAL DEMENTIA; Amyotrophic lateral sclerosis 6, with or without frontotemporal dementia. Identifiers: Orphanet 275872, Orphanet 803, MedGen C2931786, MONDO:0011951, OMIM 608030.
Tremor, hereditary essential, 4 (ETM4). Identifiers: MedGen C3539195, MONDO:0013888, OMIM 614782.

Submission:

Labcorp Genetics (formerly Invitae), Labcorp
Classification: Uncertain significance for Tremor, hereditary essential, 4; Amyotrophic lateral sclerosis type 6. Last evaluated: 2024-06-03. Review status: criteria provided, single submitter. Criteria: Invitae Variant Classification Sherloc (09022015). Collection method: clinical testing. Allele origin: germline.
Comment: This sequence change replaces glycine, which is neutral and non-polar, with valine, which is neutral and non-polar, at codon 509 of the FUS protein (p.Gly509Val). This variant is not present in population databases (gnomAD no frequency). This missense change has been observed in individual(s) with amyotrophic lateral sclerosis (PMID: 33408239). An algorithm developed to predict the effect of missense changes on protein structure and function (PolyPhen-2) suggests that this variant is likely to be disruptive. In summary, the available evidence is currently insufficient to determine the role of this variant in disease. Therefore, it has been classified as a Variant of Uncertain Significance.

Literature cited by the submitters: PubMed 33408239.

NM_004960.4(FUS):c.1526G>T (p.Gly509Val)

Gene: FUS (FUS RNA binding protein; plus strand). Cytogenetic location: 16p11.2.
Variant type: single nucleotide variant.
Coding change: c.1526G>T on transcript NM_004960.4 (MANE Select); coding-DNA position 1526, G replaced by T.
Protein change: p.Gly509Val; replaces glycine 509 with valine.
Molecular consequence: missense variant. On other transcripts: non-coding transcript variant (1).
Genome position (GRCh38, 1-based): chr16:31,191,095, G>T. VCF-style: chr16-31191095-G-T. GRCh37 (hg19) VCF-style: chr16-31202416-G-T.
Other names: c.1523G>T, p.Gly508Val (NM_001170634.1); c.1514G>T, p.Gly505Val (NM_001170937.1); short protein forms G505V, G508V, G509V.
Identifiers: ClinVar variation 3762260 (VCV003762260.2).